The following is an entry in ClinVar:

ClinVar aggregate classification (germline): Uncertain significance (1 of 4 stars; one submission).

Submission:

Labcorp Genetics (formerly Invitae), Labcorp
Classification: Uncertain significance. Last evaluated: 2022-12-11. Review status: criteria provided, single submitter. Criteria: Invitae Variant Classification Sherloc (09022015). Collection method: clinical testing. Allele origin: germline.
Comment: This sequence change falls in intron 5 of the POLE gene. It does not directly change the encoded amino acid sequence of the POLE protein. It affects a nucleotide within the consensus splice site. This variant is not present in population databases (gnomAD no frequency). This variant has not been reported in the literature in individuals affected with POLE-related conditions. Variants that disrupt the consensus splice site are a relatively common cause of aberrant splicing (PMID: 17576681, 9536098). Algorithms developed to predict the effect of sequence changes on RNA splicing suggest that this variant is not likely to affect RNA splicing. In summary, the available evidence is currently insufficient to determine the role of this variant in disease. Therefore, it has been classified as a Variant of Uncertain Significance.

Literature cited by the submitters: PubMed 17576681; PubMed 9536098.

NM_006231.4(POLE):c.423+3G>A

Gene: POLE (DNA polymerase epsilon, catalytic subunit; minus strand). Cytogenetic location: 12q24.33.
Variant type: single nucleotide variant.
Coding change: c.423+3G>A on transcript NM_006231.4 (MANE Select); 3 bases into the intron after coding-DNA position 423, G replaced by A.
Molecular consequence: intron variant.
Genome position (GRCh38, 1-based): chr12:132,679,951, C>T on the plus strand (G>A on the coding strand, the complement: POLE is on the minus strand). VCF-style: chr12-132679951-C-T. GRCh37 (hg19) VCF-style: chr12-133256537-C-T.
Identifiers: ClinVar variation 2167164 (VCV002167164.4), dbSNP rs2542190228, ClinGen allele CA2580086064.